The following is an entry in ClinVar:

NM_015178.3(RHOBTB2):c.1966+1G>C

Gene: RHOBTB2 (Rho related BTB domain containing 2; plus strand). Cytogenetic location: 8p21.3.
Variant type: single nucleotide variant.
Coding change: c.1966+1G>C on transcript NM_015178.3 (MANE Select); the canonical splice donor site of the intron after coding-DNA position 1966, G replaced by C.
Molecular consequence: splice donor variant.
Genome position (GRCh38, 1-based): chr8:23,015,744, G>C. VCF-style: chr8-23015744-G-C. GRCh37 (hg19) VCF-style: chr8-22873257-G-C.
Other names: c.2032+1G>C (NM_001160036.2); c.1987+1G>C (NM_001160037.2); c.1966+1G>C (NM_001374791.1).
Identifiers: ClinVar variation 3693068 (VCV003693068.2).

ClinVar aggregate classification (germline): Uncertain significance (1 of 4 stars; one submission).

Submission:

Labcorp Genetics (formerly Invitae), Labcorp
Classification: Uncertain significance. Last evaluated: 2024-06-28. Review status: criteria provided, single submitter. Criteria: Invitae Variant Classification Sherloc (09022015). Collection method: clinical testing. Allele origin: germline.
Comment: This sequence change falls in intron 11 of the RHOBTB2 gene. It does not directly change the encoded amino acid sequence of the RHOBTB2 protein. It affects a nucleotide within the consensus splice site. This variant is not present in population databases (gnomAD no frequency). This variant has been observed in individual(s) with RHOBTB2-related conditions (PMID: 37165955). Variants that disrupt the consensus splice site are a relatively common cause of aberrant splicing (PMID: 17576681, 9536098). Algorithms developed to predict the effect of sequence changes on RNA splicing suggest that this variant may disrupt the consensus splice site. In summary, the available evidence is currently insufficient to determine the role of this variant in disease. Therefore, it has been classified as a Variant of Uncertain Significance.

Literature cited by the submitters: PubMed 37165955; PubMed 17576681; PubMed 9536098.